The following is an entry in ClinVar:

ClinVar aggregate classification (germline): Uncertain significance (1 of 4 stars; one submission).

Conditions:
Lethal multiple pterygium syndrome (LMPS). Identifiers: Orphanet 33108, MedGen C1854678, MONDO:0009668, OMIM 253290.

Submission:

Labcorp Genetics (formerly Invitae), Labcorp
Classification: Uncertain significance for Lethal multiple pterygium syndrome. Last evaluated: 2025-06-08. Review status: criteria provided, single submitter. Criteria: Invitae Variant Classification Sherloc (09022015). Collection method: clinical testing. Allele origin: germline.
Comment: This variant, c.1060_1071del, results in the deletion of 4 amino acid(s) of the CHRND protein (p.Thr354_Glu357del), but otherwise preserves the integrity of the reading frame. This variant is not present in population databases (gnomAD no frequency). This variant has not been reported in the literature in individuals affected with CHRND-related conditions. Experimental studies and prediction algorithms are not available or were not evaluated, and the functional significance of this variant is currently unknown. In summary, the available evidence is currently insufficient to determine the role of this variant in disease. Therefore, it has been classified as a Variant of Uncertain Significance.

NM_000751.3(CHRND):c.1060_1071del (p.Thr354_Glu357del)

Gene: CHRND (cholinergic receptor nicotinic delta subunit; plus strand). Cytogenetic location: 2q37.1.
Variant type: Deletion.
Coding change: c.1060_1071del on transcript NM_000751.3 (MANE Select); coding-DNA positions 1060 to 1071, 12 bases deleted (ACCCTGCCGGAG).
Protein change: p.Thr354_Glu357del.
Molecular consequence: inframe deletion.
Genome position (GRCh38, 1-based): chr2:232,533,943-232,533,954, ACCCTGCCGGAG deleted; deleting any 12 consecutive bases within chr2:232,533,939-232,533,954 gives the same sequence; the c. name uses the placement nearest the transcript's 3' end. VCF-style (leftmost placement, unchanged base first): chr2-232533938-TGGAGACCCTGCC-T. GRCh37 (hg19) VCF-style: chr2-233398648-TGGAGACCCTGCC-T.
Other names: c.1015_1026del, p.Thr339_Glu342del (NM_001256657.2); c.478_489del, p.Thr160_Glu163del (NM_001311195.2); c.757_768del, p.Thr253_Glu256del (NM_001311196.2).
Identifiers: ClinVar variation 4698737 (VCV004698737.1).
Genomic context (GRCh38, chr2:232,533,938, plus strand): 5'-AAACAAAGAACAAAAAACAACGCCTTTCTTGTGGCCCCTTGACATGGCCCCAGCTCTTCC[TGGAGACCCTGCC>T]GGAGCTCCTGCACATGTCCCGCCCAGCAGAGGATGGACCCAGCCCTGGGGCCCTGGTGCG-3'